The following is an entry in ClinVar:

ClinVar aggregate classification (germline): Uncertain significance (1 of 4 stars; one submission).

Submission:

Labcorp Genetics (formerly Invitae), Labcorp
Classification: Uncertain significance. Last evaluated: 2023-01-01. Review status: criteria provided, single submitter. Criteria: Invitae Variant Classification Sherloc (09022015). Collection method: clinical testing. Allele origin: germline.
Comment: Advanced modeling of protein sequence and biophysical properties (such as structural, functional, and spatial information, amino acid conservation, physicochemical variation, residue mobility, and thermodynamic stability) performed at Invitae indicates that this missense variant is not expected to disrupt LRP5 protein function. This variant has not been reported in the literature in individuals affected with LRP5-related conditions. The frequency data for this variant in the population databases is considered unreliable, as metrics indicate insufficient coverage at this position in the gnomAD database. This sequence change replaces alanine, which is neutral and non-polar, with glycine, which is neutral and non-polar, at codon 4 of the LRP5 protein (p.Ala4Gly). In summary, the available evidence is currently insufficient to determine the role of this variant in disease. Therefore, it has been classified as a Variant of Uncertain Significance.

NM_002335.4(LRP5):c.11C>G (p.Ala4Gly)

Gene: LRP5 (LDL receptor related protein 5; plus strand). Cytogenetic location: 11q13.2.
Variant type: single nucleotide variant.
Coding change: c.11C>G on transcript NM_002335.4 (MANE Select); coding-DNA position 11, C replaced by G.
Protein change: p.Ala4Gly; replaces alanine 4 with glycine.
Molecular consequence: missense variant. On other transcripts: 5 prime UTR variant (1).
Genome position (GRCh38, 1-based): chr11:68,312,725, C>G. VCF-style: chr11-68312725-C-G. GRCh37 (hg19) VCF-style: chr11-68080193-C-G.
Other names: c.-1755C>G (NM_001291902.2); short protein forms A4G.
Identifiers: ClinVar variation 2825856 (VCV002825856.3), dbSNP rs1389034811, ClinGen allele CA381607240.